The following is an entry in ClinVar:

ClinVar aggregate classification (germline): Pathogenic (1 of 4 stars; one submission).

Conditions:
RAPSN-related disorder. Also called: RAPSN-related condition; RAPSN-related disorders. Identifiers: MedGen CN239397.

Submission:

Myriad Genetics, Inc.
Classification: Pathogenic for RAPSN-related disorder. Last evaluated: 2024-05-14. Review status: criteria provided, single submitter. Criteria: Myriad Autosomal Dominant, Autosomal Recessive and X-Linked Classification Criteria (2023). Collection method: clinical testing. Allele origin: unknown.
Comment: NM_005055.4(RAPSN):c.220_221ins8(R74Hfs*17) is expected to be pathogenic in the context of RAPSN-related disorders. This variant is predicted to lead to an abnormal or absent protein product due to the creation of a premature termination codon in RAPSN, a gene where loss-of-function variants are known to be pathogenic. Please note: this variant was assessed in the context of healthy population screening.

NM_005055.5(RAPSN):c.220_221insACAGATGT (p.Arg74fs)

Gene: RAPSN (receptor associated protein of the synapse; minus strand). Cytogenetic location: 11p11.2.
Variant type: Insertion.
Coding change: c.220_221insACAGATGT on transcript NM_005055.5 (MANE Select); coding-DNA positions 220 to 221, ACAGATGT inserted.
Protein change: p.Arg74fs; shifts the reading frame from arginine 74.
Molecular consequence: frameshift variant. On other transcripts: intron variant (1).
Genome position: GRCh38 VCF-style: chr11-47448122-C-CACATCTGT. GRCh37 (hg19) VCF-style: chr11-47469674-C-CACATCTGT.
Other names: c.220_221insACAGATGT, p.Arg74fs (NM_001440490.1, NM_001440491.1, NM_001440492.1 and 12 more transcripts); c.192+650_192+651insACAGATGT (NM_001440504.1); short protein forms R74fs.
Identifiers: ClinVar variation 5010357 (VCV005010357.1).